The following is an entry in ClinVar:

ClinVar aggregate classification (germline): Pathogenic. Review status: criteria provided, multiple submitters, no conflicts (2 of 4 stars). 3 submissions from 3 submitters: Pathogenic (2). 1 of the submissions does not count toward it. Last evaluated 2025-07-28.

Conditions:
Progressive scapulohumeroperoneal distal myopathy. Also called: Myopathy, scapulohumeroperoneal. Identifiers: Orphanet 447977, MedGen C4225181, MONDO:0014800, OMIM 616852.
Actin accumulation myopathy (CMYO2A). Also called: CONGENITAL MYOPATHY 2A, TYPICAL, AUTOSOMAL DOMINANT; Nemaline myopathy type 3; Myopathy, actin, congenital, with excess of thin myofilaments; Myopathy, actin, congenital, with cores; Nemaline myopathy 3, with intranuclear rods. Identifiers: Orphanet 98904, MedGen C3711389, MONDO:0008070, OMIM 161800.

Submissions (3):

Labcorp Genetics (formerly Invitae), Labcorp
Classification: Pathogenic for Actin accumulation myopathy. Last evaluated: 2025-07-28. Review status: criteria provided, single submitter. Criteria: Invitae Variant Classification Sherloc (09022015). Collection method: clinical testing. Allele origin: germline.
Comment: This sequence change replaces glutamic acid, which is acidic and polar, with aspartic acid, which is acidic and polar, at codon 197 of the ACTA1 protein (p.Glu197Asp). This variant is not present in population databases (gnomAD no frequency). This missense change has been observed in individuals with autosomal dominant ACTA1-related disorders (PMID: 25938801, 30732915). It has also been observed to segregate with disease in related individuals. ClinVar contains an entry for this variant (Variation ID: 224412). Invitae Evidence Modeling of protein sequence and biophysical properties (such as structural, functional, and spatial information, amino acid conservation, physicochemical variation, residue mobility, and thermodynamic stability) indicates that this missense variant is not expected to disrupt ACTA1 protein function with a negative predictive value of 80%. For these reasons, this variant has been classified as Pathogenic.

GeneDx
Classification: Pathogenic. Last evaluated: 2023-06-05. Review status: criteria provided, single submitter. Criteria: GeneDx Variant Classification Process June 2021. Collection method: clinical testing. Allele origin: germline. Affected: yes.
Comment: Previously reported in a parent and child with distal myopathy with nemaline rods on muscle biopsy (Hernandez-Lain et al., 2019); Not observed at significant frequency in large population cohorts (gnomAD); Missense variants in this gene are often considered pathogenic (HGMD); In silico analysis supports that this missense variant has a deleterious effect on protein structure/function; This variant is associated with the following publications: (PMID: 25470062, 25938801, 30732915, 27519468, 29433794)

OMIM
Classification: Pathogenic for MYOPATHY, SCAPULOHUMEROPERONEAL (1 family). Last evaluated: 2024-07-16. Review status: no assertion criteria provided. Collection method: literature only. Allele origin: germline. Not counted in ClinVar's aggregate classification.

Literature cited by the submitters: PubMed 25938801 (cited by Labcorp Genetics (formerly Invitae), Labcorp and OMIM); PubMed 30732915 (cited by Labcorp Genetics (formerly Invitae), Labcorp); PubMed 4952447 (cited by OMIM).

NM_001100.4(ACTA1):c.591G>T (p.Glu197Asp)

Gene: ACTA1 (actin alpha 1, skeletal muscle; minus strand). Cytogenetic location: 1q42.13.
Variant type: single nucleotide variant.
Coding change: c.591G>T on transcript NM_001100.4 (MANE Select); coding-DNA position 591, G replaced by T.
Protein change: p.Glu197Asp; replaces glutamic acid 197 with aspartic acid.
Molecular consequence: missense variant.
Genome position (GRCh38, 1-based): chr1:229,432,295, C>A on the plus strand (G>T on the coding strand, the complement: ACTA1 is on the minus strand). VCF-style: chr1-229432295-C-A. GRCh37 (hg19) VCF-style: chr1-229568042-C-A.
Other names: short protein forms E197D.
Identifiers: ClinVar variation 224412 (VCV000224412.13), dbSNP rs869312739, ClinGen allele CA353465.